The following is an entry in ClinVar:

NM_003630.3(PEX3):c.340A>G (p.Arg114Gly)

Gene: PEX3 (peroxisomal biogenesis factor 3; plus strand). Cytogenetic location: 6q24.2.
Variant type: single nucleotide variant.
Coding change: c.340A>G on transcript NM_003630.3 (MANE Select); coding-DNA position 340, A replaced by G.
Protein change: p.Arg114Gly; replaces arginine 114 with glycine.
Molecular consequence: missense variant.
Genome position (GRCh38, 1-based): chr6:143,470,969, A>G. VCF-style: chr6-143470969-A-G. GRCh37 (hg19) VCF-style: chr6-143792106-A-G.
Other names: short protein forms R114G.
Identifiers: ClinVar variation 1397981 (VCV001397981.5), dbSNP rs2128746662, ClinGen allele CA365909465.

ClinVar aggregate classification (germline): Uncertain significance (1 of 4 stars; one submission).

Submission:

Labcorp Genetics (formerly Invitae), Labcorp
Classification: Uncertain significance. Last evaluated: 2021-12-02. Review status: criteria provided, single submitter. Criteria: Invitae Variant Classification Sherloc (09022015). Collection method: clinical testing. Allele origin: germline.
Comment: This sequence change replaces arginine, which is basic and polar, with glycine, which is neutral and non-polar, at codon 114 of the PEX3 protein (p.Arg114Gly). This variant is not present in population databases (gnomAD no frequency). This variant has not been reported in the literature in individuals affected with PEX3-related conditions. Algorithms developed to predict the effect of missense changes on protein structure and function (SIFT, PolyPhen-2, Align-GVGD) all suggest that this variant is likely to be disruptive. Algorithms developed to predict the effect of sequence changes on RNA splicing suggest that this variant may create or strengthen a splice site. In summary, the available evidence is currently insufficient to determine the role of this variant in disease. Therefore, it has been classified as a Variant of Uncertain Significance.